The following is an entry in ClinVar:

NM_203290.4(POLR1C):c.796G>A (p.Glu266Lys)

Gene: POLR1C (RNA polymerase I and III subunit C; plus strand). Cytogenetic location: 6p21.1.
Variant type: single nucleotide variant.
Coding change: c.796G>A on transcript NM_203290.4 (MANE Select); coding-DNA position 796, G replaced by A.
Protein change: p.Glu266Lys; replaces glutamic acid 266 with lysine.
Molecular consequence: missense variant.
Genome position (GRCh38, 1-based): chr6:43,520,765, G>A. VCF-style: chr6-43520765-G-A. GRCh37 (hg19) VCF-style: chr6-43488503-G-A.
Other names: c.796G>A, p.Glu266Lys (NM_001318876.2, NM_001363658.2); short protein forms E266K.
Identifiers: ClinVar variation 1507109 (VCV001507109.8), dbSNP rs1202546140, ClinGen allele CA364284952.

ClinVar aggregate classification (germline): Uncertain significance (1 of 4 stars; one submission).

Allele frequency attached by ClinVar (database versions not stated): gnomAD exomes below 0.00001 and 0.00001; gnomAD 0.00001; TOPMed 0.00002.
gnomAD v4.1: 10 of 1,613,906 alleles (0.00062%); highest among the groups gnomAD compares: Middle Eastern, 0.016%; no homozygotes.

Submission:

Labcorp Genetics (formerly Invitae), Labcorp
Classification: Uncertain significance. Last evaluated: 2021-08-18. Review status: criteria provided, single submitter. Criteria: Invitae Variant Classification Sherloc (09022015). Collection method: clinical testing. Allele origin: germline.
Comment: Algorithms developed to predict the effect of missense changes on protein structure and function are either unavailable or do not agree on the potential impact of this missense change (SIFT: "Not Available"; PolyPhen-2: "Benign"; Align-GVGD: "Not Available"). In summary, the available evidence is currently insufficient to determine the role of this variant in disease. Therefore, it has been classified as a Variant of Uncertain Significance. This variant has not been reported in the literature in individuals with POLR1C-related conditions. This sequence change replaces glutamic acid with lysine at codon 266 of the POLR1C protein (p.Glu266Lys). The glutamic acid residue is moderately conserved and there is a small physicochemical difference between glutamic acid and lysine. This variant is not present in population databases (ExAC no frequency).